The following is an entry in ClinVar:

NM_018718.3(CEP41):c.703G>A (p.Ala235Thr)

Gene: CEP41 (centrosomal protein 41; minus strand). Cytogenetic location: 7q32.2.
Variant type: single nucleotide variant.
Coding change: c.703G>A on transcript NM_018718.3 (MANE Select); coding-DNA position 703, G replaced by A.
Protein change: p.Ala235Thr; replaces alanine 235 with threonine.
Molecular consequence: missense variant. On other transcripts: non-coding transcript variant (1).
Genome position (GRCh38, 1-based): chr7:130,400,761, C>T on the plus strand (G>A on the coding strand, the complement: CEP41 is on the minus strand). VCF-style: chr7-130400761-C-T. GRCh37 (hg19) VCF-style: chr7-130040602-C-T.
Other names: c.703G>A, p.Ala235Thr (NM_001257158.2); c.655G>A, p.Ala219Thr (NM_001257159.2); short protein forms A219T, A235T.
Identifiers: ClinVar variation 1493610 (VCV001493610.6), dbSNP rs2117555473, ClinGen allele CA369287870.

ClinVar aggregate classification (germline): Uncertain significance (1 of 4 stars; one submission).

Conditions:
Joubert syndrome 15 (JBTS15). Identifiers: Orphanet 475, MedGen C3280897, MONDO:0013763, OMIM 614464.

Allele frequency attached by ClinVar (database versions not stated): gnomAD exomes below 0.00001.
gnomAD v4.1: 5 of 1,613,888 alleles (0.00031%); highest among the groups gnomAD compares: Non-Finnish European, 0.00042%; no homozygotes.

Submission:

Labcorp Genetics (formerly Invitae), Labcorp
Classification: Uncertain significance for Joubert syndrome 15. Last evaluated: 2021-12-01. Review status: criteria provided, single submitter. Criteria: Invitae Variant Classification Sherloc (09022015). Collection method: clinical testing. Allele origin: germline.
Comment: This sequence change replaces alanine, which is neutral and non-polar, with threonine, which is neutral and polar, at codon 235 of the CEP41 protein (p.Ala235Thr). This variant is not present in population databases (gnomAD no frequency). This variant has not been reported in the literature in individuals affected with CEP41-related conditions. Algorithms developed to predict the effect of missense changes on protein structure and function (SIFT, PolyPhen-2, Align-GVGD) all suggest that this variant is likely to be disruptive. In summary, the available evidence is currently insufficient to determine the role of this variant in disease. Therefore, it has been classified as a Variant of Uncertain Significance.